The following is an entry in ClinVar:

ClinVar aggregate classification (germline): Uncertain significance (1 of 4 stars; one submission).

Conditions:
Hereditary spastic paraplegia 57. Also called: Spastic paraplegia 57, autosomal recessive. Identifiers: Orphanet 431329, MedGen C3714897, MONDO:0014295, OMIM 615658.
Hereditary motor and sensory neuropathy, Okinawa type (HMSNO). Also called: HEREDITARY MOTOR AND SENSORY NEUROPATHY, PROXIMAL TYPE. Identifiers: Orphanet 90117, MedGen C1858338, MONDO:0011468, OMIM 604484.

Allele frequency attached by ClinVar (database versions not stated): TOPMed below 0.00001; gnomAD 0.00001.
gnomAD v4.1: 1 of 1,610,154 alleles (0.000062%); highest among the groups gnomAD compares: Non-Finnish European, 0.000085%; no homozygotes.

Submission:

Labcorp Genetics (formerly Invitae), Labcorp
Classification: Uncertain significance for Hereditary motor and sensory neuropathy, Okinawa type; Hereditary spastic paraplegia 57. Last evaluated: 2024-05-27. Review status: criteria provided, single submitter. Criteria: Invitae Variant Classification Sherloc (09022015). Collection method: clinical testing. Allele origin: germline.
Comment: This sequence change replaces glutamic acid, which is acidic and polar, with alanine, which is neutral and non-polar, at codon 98 of the TFG protein (p.Glu98Ala). This variant is not present in population databases (gnomAD no frequency). This variant has not been reported in the literature in individuals affected with TFG-related conditions. ClinVar contains an entry for this variant (Variation ID: 1358338). Advanced modeling of protein sequence and biophysical properties (such as structural, functional, and spatial information, amino acid conservation, physicochemical variation, residue mobility, and thermodynamic stability) performed at Invitae indicates that this missense variant is not expected to disrupt TFG protein function with a negative predictive value of 80%. In summary, the available evidence is currently insufficient to determine the role of this variant in disease. Therefore, it has been classified as a Variant of Uncertain Significance.

NM_006070.6(TFG):c.293A>C (p.Glu98Ala)

Gene: TFG (trafficking from ER to golgi regulator; plus strand). Cytogenetic location: 3q12.2.
Variant type: single nucleotide variant.
Coding change: c.293A>C on transcript NM_006070.6 (MANE Select); coding-DNA position 293, A replaced by C.
Protein change: p.Glu98Ala; replaces glutamic acid 98 with alanine.
Molecular consequence: missense variant.
Genome position (GRCh38, 1-based): chr3:100,728,736, A>C. VCF-style: chr3-100728736-A-C. GRCh37 (hg19) VCF-style: chr3-100447580-A-C.
Other names: c.293A>C, p.Glu98Ala (NM_001007565.2, NM_001195478.2, NM_001195479.2); short protein forms E98A.
Identifiers: ClinVar variation 1358338 (VCV001358338.8), dbSNP rs2095082870, ClinGen allele CA353842191.